The following is an entry in ClinVar:

NM_005732.4(RAD50):c.515T>C (p.Leu172Ser)

Gene: RAD50 (RAD50 double strand break repair protein; plus strand). Cytogenetic location: 5q31.1.
Variant type: single nucleotide variant.
Coding change: c.515T>C on transcript NM_005732.4 (MANE Select); coding-DNA position 515, T replaced by C.
Protein change: p.Leu172Ser; replaces leucine 172 with serine.
Molecular consequence: missense variant.
Genome position (GRCh38, 1-based): chr5:132,579,466, T>C. VCF-style: chr5-132579466-T-C. GRCh37 (hg19) VCF-style: chr5-131915158-T-C.
Other names: c.515T>C (NM_005732.3); short protein forms L172S.
Identifiers: ClinVar variation 2114595 (VCV002114595.5), dbSNP rs2479616182, ClinGen allele CA360934821.

ClinVar aggregate classification (germline): Uncertain significance. Review status: criteria provided, multiple submitters, no conflicts (2 of 4 stars). 2 submissions from 2 submitters: Uncertain significance (2). Last evaluated 2026-07-20.

Conditions:
Hereditary cancer-predisposing syndrome. Also called: Tumor predisposition; Hereditary Cancer Syndrome; Hereditary neoplastic syndrome; Neoplastic Syndromes, Hereditary. Identifiers: Orphanet 140162, MedGen C0027672, MeSH D009386, MONDO:0015356.

Submissions (2):

Ambry Genetics
Classification: Uncertain significance for Hereditary cancer-predisposing syndrome. Last evaluated: 2026-07-20. Review status: criteria provided, single submitter. Criteria: Ambry Variant Classification Scheme 2023. Collection method: clinical testing. Allele origin: germline.
Comment: The p.L172S variant (also known as c.515T>C), located in coding exon 4 of the RAD50 gene, results from a T to C substitution at nucleotide position 515. The leucine at codon 172 is replaced by serine, an amino acid with dissimilar properties. This amino acid position is conserved. In addition, this alteration is predicted to be deleterious by in silico analysis. Based on the available evidence, the clinical significance of this variant remains unclear.

Labcorp Genetics (formerly Invitae), Labcorp
Classification: Uncertain significance for Hereditary cancer-predisposing syndrome. Last evaluated: 2023-08-30. Review status: criteria provided, single submitter. Criteria: Invitae Variant Classification Sherloc (09022015). Collection method: clinical testing. Allele origin: germline.
Comment: In summary, the available evidence is currently insufficient to determine the role of this variant in disease. Therefore, it has been classified as a Variant of Uncertain Significance. Advanced modeling of protein sequence and biophysical properties (such as structural, functional, and spatial information, amino acid conservation, physicochemical variation, residue mobility, and thermodynamic stability) performed at Invitae indicates that this missense variant is expected to disrupt RAD50 protein function. ClinVar contains an entry for this variant (Variation ID: 2114595). This variant has not been reported in the literature in individuals affected with RAD50-related conditions. This variant is not present in population databases (gnomAD no frequency). This sequence change replaces leucine, which is neutral and non-polar, with serine, which is neutral and polar, at codon 172 of the RAD50 protein (p.Leu172Ser).